The following is an entry in ClinVar:

NM_032520.5(GNPTG):c.108del (p.Phe36fs)

Genes: GNPTG (N-acetylglucosamine-1-phosphate transferase subunit gamma; plus strand), LOC130058158 (ATAC-STARR-seq lymphoblastoid silent region 6972; plus strand). Cytogenetic location: 16p13.3.
Variant type: Deletion.
Coding change: c.108del on transcript NM_032520.5 (MANE Select); coding-DNA position 108, one base deleted (T; older notation c.108delT).
Protein change: p.Phe36fs; shifts the reading frame from phenylalanine 36.
Molecular consequence: frameshift variant.
Genome position (GRCh38, 1-based): chr16:1,352,157, T deleted; the last of 3 consecutive T bases (chr16:1,352,155-1,352,157); deleting any one gives the same sequence. VCF-style (leftmost placement, unchanged base first): chr16-1352154-GT-G. GRCh37 (hg19) VCF-style: chr16-1402155-GT-G.
Other names: c.108delT (NM_032520.4); short protein forms F36fs.
Identifiers: ClinVar variation 2080282 (VCV002080282.5), dbSNP rs2548185743, ClinGen allele CA2580090427.

ClinVar aggregate classification (germline): Pathogenic/Likely pathogenic. Review status: criteria provided, multiple submitters, no conflicts (2 of 4 stars). 2 submissions from 2 submitters: Pathogenic (1); Likely pathogenic (1). Last evaluated 2025-02-04.

Conditions:
GNPTG-mucolipidosis. Also called: MUCOLIPIDOSIS III, IRANIAN VARIANT FORM; MUCOLIPIDOSIS III, VARIANT FORM; Mucolipidosis type III gamma; ML III GAMMA; ML IIIC; MUCOLIPIDOSIS III, COMPLEMENTATION GROUP C. Identifiers: Orphanet 423470, Orphanet 577, MedGen C1854896, MONDO:0009652, OMIM 252605.

Submissions (2):

Natera, Inc.
Classification: Likely pathogenic for Mucolipidosis III gamma. Last evaluated: 2025-02-04. Review status: criteria provided, single submitter. Criteria: Natera Variant Classification Schema (03/2026). Collection method: clinical testing. Allele origin: germline.
Comment: The c.108delT variant in GNPTG is a frameshift variant predicted to shift the reading frame beginning at codon 36 and leads to a stop codon 3 codons downstream. This variant is expected to result in nonsense mediated decay, truncation, or a dysfunctional protein product. This variant is rare in the general population with a frequency below the threshold expected for the associated phenotype(s). Given the available evidence, this variant is classified as Likely Pathogenic.

Labcorp Genetics (formerly Invitae), Labcorp
Classification: Pathogenic. Last evaluated: 2024-04-27. Review status: criteria provided, single submitter. Criteria: Invitae Variant Classification Sherloc (09022015). Collection method: clinical testing. Allele origin: germline.
Comment: This sequence change creates a premature translational stop signal (p.Phe36Leufs*3) in the GNPTG gene. It is expected to result in an absent or disrupted protein product. Loss-of-function variants in GNPTG are known to be pathogenic (PMID: 19370764, 20301784). This variant is not present in population databases (gnomAD no frequency). This variant has not been reported in the literature in individuals affected with GNPTG-related conditions. ClinVar contains an entry for this variant (Variation ID: 2080282). For these reasons, this variant has been classified as Pathogenic.

Literature cited by the submitters: PubMed 19370764 (cited by Labcorp Genetics (formerly Invitae), Labcorp); PubMed 20301784 (cited by Labcorp Genetics (formerly Invitae), Labcorp).